The following is an entry in ClinVar:

NM_002911.4(UPF1):c.1803C>T (p.Thr601=)

Gene: UPF1 (UPF1 RNA helicase and ATPase; plus strand). Cytogenetic location: 19p13.11.
Variant type: single nucleotide variant.
Coding change: c.1803C>T on transcript NM_002911.4 (MANE Select); coding-DNA position 1803, C replaced by T.
Protein change: p.Thr601=; no amino-acid change (threonine 601 retained).
Molecular consequence: synonymous variant.
Genome position (GRCh38, 1-based): chr19:18,856,279, C>T. VCF-style: chr19-18856279-C-T. GRCh37 (hg19) VCF-style: chr19-18967088-C-T.
Other names: c.1836C>T, p.Thr612= (NM_001297549.2).
Identifiers: ClinVar variation 2649598 (VCV002649598.25), dbSNP rs961336131, ClinGen allele CA306277523.
Genomic context (GRCh38, chr19:18,856,279, plus strand): 5'-AGACGAGACTGGGGAGCTGTCGTCTGCCGACGAGAAGCGGTACCGGGCCTTGAAGCGCAC[C>T]GCAGAGAGAGAGCTGCTGATGGTGAGTGCCCCTCCTGCCTGCAAAAGGGCCTGTGGGCTG-3'
Protein context (NP_002902.2, residues 591-611): DEKRYRALKR[Thr601=]AERELLMNAD

ClinVar aggregate classification (germline): Likely benign. Review status: criteria provided, multiple submitters, no conflicts (2 of 4 stars). 2 submissions from 2 submitters: Likely benign (2). Last evaluated 2022-11-01.

Allele frequency attached by ClinVar (database versions not stated): gnomAD 0.00001; gnomAD exomes 0.00001.
gnomAD v4.1: 17 of 1,598,414 alleles (0.0011%); highest among the groups gnomAD compares: Middle Eastern, 0.017%; no homozygotes.

Submissions (2):

CeGaT Center for Human Genetics Tuebingen
Classification: Likely benign. Last evaluated: 2022-11-01. Review status: criteria provided, single submitter. Criteria: CeGaT Center For Human Genetics Tuebingen Variant Classification Criteria Version 2. Collection method: clinical testing. Allele origin: germline. Affected: yes. Observed: 1 variant allele.
Comment: UPF1: BP4, BP7

Blueprint Genetics
Classification: Likely benign. Last evaluated: 2022-10-07. Review status: criteria provided, single submitter. Criteria: ACMG Guidelines, 2015. Collection method: clinical testing. Allele origin: germline.